The following is an entry in ClinVar:

ClinVar aggregate classification (germline): Likely benign. Review status: criteria provided, multiple submitters, no conflicts (2 of 4 stars). 3 submissions from 3 submitters: Likely benign (2). 1 of the submissions does not count toward it. Last evaluated 2025-12-30.

Conditions:
TBCK-related disorder. Also called: TBCK-related condition; TBCK-related disorders.

Allele frequency attached by ClinVar (database versions not stated): ExAC 0.00044; gnomAD exomes 0.00046; gnomAD 0.00048 and 0.00038; TOPMed 0.00051; ESP Exome Variant Server 0.00054.
gnomAD v4.1: 536 of 1,614,046 alleles (0.033%); highest among the groups gnomAD compares: Middle Eastern, 0.12%; 1 homozygote.

Submissions (3):

Labcorp Genetics (formerly Invitae), Labcorp
Classification: Likely benign. Last evaluated: 2025-12-30. Review status: criteria provided, single submitter. Criteria: Invitae Variant Classification Sherloc (09022015). Collection method: clinical testing. Allele origin: germline.

Breakthrough Genomics
Classification: Likely benign. Review status: criteria provided, single submitter. Criteria: ACMG Guidelines, 2015. Collection method: not provided. Allele origin: germline. Inheritance: Autosomal recessive inheritance. Affected: yes.

PreventionGenetics, part of Exact Sciences
Classification: Likely benign for TBCK-related condition. Last evaluated: 2019-06-19. Review status: no assertion criteria provided. Collection method: clinical testing. Allele origin: germline. Not counted in ClinVar's aggregate classification.
Comment: This variant is classified as likely benign based on ACMG/AMP sequence variant interpretation guidelines (Richards et al. 2015 PMID: 25741868, with internal and published modifications).

NM_001163435.3(TBCK):c.151C>G (p.Pro51Ala)

Gene: TBCK (TBC1 domain containing kinase; minus strand). Cytogenetic location: 4q24.
Variant type: single nucleotide variant.
Coding change: c.151C>G on transcript NM_001163435.3 (MANE Select); coding-DNA position 151, C replaced by G.
Protein change: p.Pro51Ala; replaces proline 51 with alanine.
Molecular consequence: missense variant. On other transcripts: 5 prime UTR variant (1).
Genome position (GRCh38, 1-based): chr4:106,308,810, G>C on the plus strand (C>G on the coding strand, the complement: TBCK is on the minus strand). VCF-style: chr4-106308810-G-C. GRCh37 (hg19) VCF-style: chr4-107229967-G-C.
Other names: c.151C>G, p.Pro51Ala (NM_001163436.4, NM_001163437.3, NM_033115.5); c.-467C>G (NM_001290768.2); c.151C>G (NM_001163435.2); short protein forms P51A.
Identifiers: ClinVar variation 1156871 (VCV001156871.10), dbSNP rs113924864, ClinGen allele CA3035533.
Genomic context (GRCh38, chr4:106,308,810, plus strand): 5'-AAAAAGAAAATAACTTACCATGCTTTCCCCTAGAAATATCCACATACTGGCAGAGTCTGG[G>C]ATGGGTGATGGTTTTAAGGATTTGAAAGCGCCCTAAAATTTTGATGGAATTTGGTGTGAG-3'
Protein context (NP_001156907.2, residues 41-61): RFQILKTITH[Pro51Ala]RLCQYVDISR